The following is an entry in ClinVar:

NM_001352514.2(HLCS):c.1936G>A (p.Ala646Thr)

Gene: HLCS (holocarboxylase synthetase; minus strand). Cytogenetic location: 21q22.13.
Variant type: single nucleotide variant.
Coding change: c.1936G>A on transcript NM_001352514.2 (MANE Select); coding-DNA position 1936, G replaced by A.
Protein change: p.Ala646Thr; replaces alanine 646 with threonine.
Molecular consequence: missense variant. On other transcripts: non-coding transcript variant (2).
Genome position (GRCh38, 1-based): chr21:36,767,242, C>T on the plus strand (G>A on the coding strand, the complement: HLCS is on the minus strand). VCF-style: chr21-36767242-C-T. GRCh37 (hg19) VCF-style: chr21-38139543-C-T.
Other names: c.1495G>A, p.Ala499Thr (NM_000411.8, NM_001242784.3, NM_001242785.2 and 4 more transcripts); short protein forms A499T, A646T.
Identifiers: ClinVar variation 2142709 (VCV002142709.2), dbSNP rs754564050, ClinGen allele CA10020423.

ClinVar aggregate classification (germline): Uncertain significance (1 of 4 stars; one submission).

Conditions:
Holocarboxylase synthetase deficiency. Also called: MULTIPLE CARBOXYLASE DEFICIENCY, EARLY ONSET. Identifiers: Orphanet 79242, MedGen C0268581, MONDO:0009666, OMIM 253270.

gnomAD v4.1: 32 of 1,614,032 alleles (0.002%); highest among the groups gnomAD compares: Admixed American, 0.02%; 1 homozygote.

Submission:

Labcorp Genetics (formerly Invitae), Labcorp
Classification: Uncertain significance for Holocarboxylase synthetase deficiency. Last evaluated: 2024-05-15. Review status: criteria provided, single submitter. Criteria: Invitae Variant Classification Sherloc (09022015). Collection method: clinical testing. Allele origin: germline.
Comment: This sequence change replaces alanine, which is neutral and non-polar, with threonine, which is neutral and polar, at codon 499 of the HLCS protein (p.Ala499Thr). This variant is present in population databases (rs754564050, gnomAD 0.03%), including at least one homozygous and/or hemizygous individual. This variant has not been reported in the literature in individuals affected with HLCS-related conditions. ClinVar contains an entry for this variant (Variation ID: 2142709). Advanced modeling of protein sequence and biophysical properties (such as structural, functional, and spatial information, amino acid conservation, physicochemical variation, residue mobility, and thermodynamic stability) performed at Invitae indicates that this missense variant is expected to disrupt HLCS protein function with a positive predictive value of 80%. In summary, the available evidence is currently insufficient to determine the role of this variant in disease. Therefore, it has been classified as a Variant of Uncertain Significance.